The following is an entry in ClinVar:

ClinVar aggregate classification (germline): Conflicting classifications of pathogenicity. Review status: criteria provided, conflicting classifications (1 of 4 stars). 2 submissions from 2 submitters: Uncertain significance (1); Likely benign (1). Last evaluated 2025-09-01.

Conditions:
Cardiovascular phenotype. Identifiers: MedGen CN230736.

gnomAD v4.1: 17 of 1,614,006 alleles (0.0011%); highest among the groups gnomAD compares: East Asian, 0.038%; no homozygotes.

Submissions (2):

Labcorp Genetics (formerly Invitae), Labcorp
Classification: Likely benign. Last evaluated: 2025-09-01. Review status: criteria provided, single submitter. Criteria: Invitae Variant Classification Sherloc (09022015). Collection method: clinical testing. Allele origin: germline.

Ambry Genetics
Classification: Uncertain significance for Cardiovascular phenotype. Last evaluated: 2025-06-25. Review status: criteria provided, single submitter. Criteria: Ambry Variant Classification Scheme 2023. Collection method: clinical testing. Allele origin: germline.
Comment: The c.270C>T variant (also known as p.P90P), located in coding exon 2 of the TBX20 gene, results from a C to T substitution at nucleotide position 270. This nucleotide substitution does not change the proline at codon 90. This nucleotide position is not well conserved in available vertebrate species. In silico splice site analysis for this alteration is inconclusive. Based on the available evidence, the clinical significance of this variant remains unclear.

NM_001077653.2(TBX20):c.270C>T (p.Pro90=)

Gene: TBX20 (T-box transcription factor 20; minus strand). Cytogenetic location: 7p14.2.
Variant type: single nucleotide variant.
Coding change: c.270C>T on transcript NM_001077653.2 (MANE Select); coding-DNA position 270, C replaced by T.
Protein change: p.Pro90=; no amino-acid change (proline 90 retained).
Molecular consequence: synonymous variant.
Genome position (GRCh38, 1-based): chr7:35,250,061, G>A on the plus strand (C>T on the coding strand, the complement: TBX20 is on the minus strand). VCF-style: chr7-35250061-G-A. GRCh37 (hg19) VCF-style: chr7-35289673-G-A.
Other names: c.270C>T, p.Pro90= (NM_001166220.1).
Identifiers: ClinVar variation 3704752 (VCV003704752.3).